The following is an entry in ClinVar:

ClinVar aggregate classification (germline): Benign/Likely benign. Review status: criteria provided, multiple submitters, no conflicts (2 of 4 stars). 14 submissions from 14 submitters: Benign (2); Likely benign (8). 4 of the submissions do not count toward it. Last evaluated 2026-07-01.

Conditions:
Fanconi anemia (FA). Also called: Fanconi's anemia. Identifiers: Orphanet 84, MedGen C0015625, MeSH D005199, MONDO:0019391.
Fanconi anemia complementation group I (FANCI). Also called: FANCI-Related Fanconi Anemia. Identifiers: Orphanet 84, MedGen C1836861, MONDO:0012186, OMIM 609053.

Allele frequency attached by ClinVar (database versions not stated): 1000 Genomes Project 0.00040; 1000 Genomes Project 30x 0.00047; gnomAD exomes 0.00291 and 0.00226; gnomAD 0.00190 and 0.00200; ESP Exome Variant Server 0.00192; TOPMed 0.00201; ExAC 0.00258.
gnomAD v4.1: 4,473 of 1,614,216 alleles (0.28%); highest among the groups gnomAD compares: Non-Finnish European, 0.35%; 11 homozygotes.

Submissions (14):

CeGaT Center for Human Genetics Tuebingen
Classification: Likely benign. Last evaluated: 2026-07-01. Review status: criteria provided, single submitter. Criteria: CeGaT Center For Human Genetics Tuebingen Variant Classification Criteria Version 2. Collection method: clinical testing. Allele origin: germline. Affected: yes. Observed: 19 variant alleles.
Comment: FANCI: BP4

Labcorp Genetics (formerly Invitae), Labcorp
Classification: Benign for Fanconi anemia. Last evaluated: 2026-02-01. Review status: criteria provided, single submitter. Criteria: Invitae Variant Classification Sherloc (09022015). Collection method: clinical testing. Allele origin: germline.

Mayo Clinic Laboratories, Mayo Clinic
Classification: Likely benign. Last evaluated: 2025-09-15. Review status: criteria provided, single submitter. Criteria: ACMG Guidelines, 2015. Collection method: clinical testing. Allele origin: germline. Observed: 1 variant allele.
Comment: BP4, BP7

Blueprint Genetics
Classification: Likely benign. Last evaluated: 2024-11-25. Review status: criteria provided, single submitter. Criteria: ACMG Guidelines, 2015. Collection method: clinical testing. Allele origin: germline.

KCCC/NGS Laboratory, Kuwait Cancer Control Center
Classification: Benign for Fanconi anemia complementation group I. Last evaluated: 2023-07-07. Review status: criteria provided, single submitter. Criteria: ACMG Guidelines, 2015. Collection method: clinical testing. Allele origin: germline. Affected: yes.

Genetic Services Laboratory, University of Chicago
Classification: Likely benign. Last evaluated: 2021-11-29. Review status: criteria provided, single submitter. Criteria: ACMG Guidelines, 2015. Collection method: clinical testing. Allele origin: germline. Affected: no.

Fulgent Genetics
Classification: Likely benign for Fanconi anemia complementation group I. Last evaluated: 2021-08-02. Review status: criteria provided, single submitter. Criteria: ACMG Guidelines, 2015. Collection method: clinical testing. Allele origin: unknown.

Sema4
Classification: Likely benign for Fanconi anemia. Last evaluated: 2020-12-10. Review status: criteria provided, single submitter. Criteria: Sema4 Curation Guidelines. Collection method: curation. Allele origin: germline.

Illumina Laboratory Services, Illumina
Classification: Likely benign for Fanconi anemia complementation group I. Last evaluated: 2018-01-12. Review status: criteria provided, single submitter. Criteria: ICSL Variant Classification Criteria 13 December 2019. Collection method: clinical testing. Allele origin: germline.
Comment: This variant was observed in the ICSL laboratory as part of a predisposition screen in an ostensibly healthy population. It had not been previously curated by ICSL or reported in the Human Gene Mutation Database (HGMD: prior to June 1st, 2018), and was therefore a candidate for classification through an automated scoring system. Utilizing variant allele frequency, disease prevalence and penetrance estimates, and inheritance mode, an automated score was calculated to assess if this variant is too frequent to cause the disease. Based on the score and internal cut-off values, a variant classified as likely benign is not then subjected to further curation. The score for this variant resulted in a classification of likely benign for this disease.

PreventionGenetics, part of Exact Sciences
Classification: Likely benign. Review status: criteria provided, single submitter. Criteria: ACMG Guidelines, 2015. Collection method: clinical testing. Allele origin: germline.

Clinical Genetics DNA and cytogenetics Diagnostics Lab, Erasmus MC, Erasmus Medical Center
Classification: Likely benign. Review status: no assertion criteria provided. Collection method: clinical testing. Allele origin: germline. Affected: yes. Study: VKGL Data-share Consensus. Not counted in ClinVar's aggregate classification.

Genome Diagnostics Laboratory, Amsterdam University Medical Center
Classification: Benign. Review status: no assertion criteria provided. Collection method: clinical testing. Allele origin: germline. Affected: yes. Study: VKGL Data-share Consensus. Not counted in ClinVar's aggregate classification.

Genome Diagnostics Laboratory, University Medical Center Utrecht
Classification: Benign. Review status: no assertion criteria provided. Collection method: clinical testing. Allele origin: germline. Affected: yes. Study: VKGL Data-share Consensus. Not counted in ClinVar's aggregate classification.

Joint Genome Diagnostic Labs from Nijmegen and Maastricht, Radboudumc and MUMC+
Classification: Likely benign. Review status: no assertion criteria provided. Collection method: clinical testing. Allele origin: germline. Affected: yes. Study: VKGL Data-share Consensus. Not counted in ClinVar's aggregate classification.

NM_001113378.2(FANCI):c.3592-8T>C

Gene: FANCI (FA complementation group I; plus strand). Cytogenetic location: 15q26.1.
Variant type: single nucleotide variant.
Coding change: c.3592-8T>C on transcript NM_001113378.2 (MANE Select); 8 bases into the intron before coding-DNA position 3592, T replaced by C.
Molecular consequence: intron variant.
Genome position (GRCh38, 1-based): chr15:89,307,605, T>C. VCF-style: chr15-89307605-T-C. GRCh37 (hg19) VCF-style: chr15-89850836-T-C.
Other names: p.?; c.3412-8T>C (NM_018193.3); c.3592-8T>C (NM_001376911.1); c.3313-8T>C (NM_001376910.1).
Identifiers: ClinVar variation 238326 (VCV000238326.52), dbSNP rs185599057, ClinGen allele CA7723785.